The following is an entry in ClinVar:

NM_001114753.3(ENG):c.298_299del (p.Ser100fs)

Gene: ENG (endoglin; minus strand). Cytogenetic location: 9q34.11.
Variant type: Deletion.
Coding change: c.298_299del on transcript NM_001114753.3 (MANE Select); coding-DNA positions 298 to 299, 2 bases deleted (AG; older notation c.298_299delAG).
Protein change: p.Ser100fs; shifts the reading frame from serine 100.
Molecular consequence: frameshift variant. On other transcripts: 5 prime UTR variant (1).
Genome position (GRCh38, 1-based): chr9:127,829,748-127,829,749, CT deleted on the plus strand (AG on the coding strand, the reverse complement: ENG is on the minus strand). VCF-style (leftmost placement, unchanged base first): chr9-127829747-ACT-A. GRCh37 (hg19) VCF-style: chr9-130592026-ACT-A.
Other names: c.298_299delAG, p.Ser100Cysfs (NM_000118.4, NM_001406715.1); c.-249_-248del (NM_001278138.2); c.298_299delAG (NM_000118.3); short protein forms S100fs.
Identifiers: ClinVar variation 982473 (VCV000982473.4), dbSNP rs1830715784, ClinGen allele CA1139661224.

ClinVar aggregate classification (germline): Pathogenic. Review status: criteria provided, multiple submitters, no conflicts (2 of 4 stars). 2 submissions from 2 submitters: Pathogenic (2). Last evaluated 2021-11-04.

Conditions:
Telangiectasia, hereditary hemorrhagic, type 1 (HHT1). Also called: Osler Weber Rendu syndrome type 1; ENG-Related Hereditary Hemorrhagic Telangiectasia. Identifiers: Orphanet 774, MedGen C4551861, MONDO:0008535, OMIM 187300. Disease mechanism: loss of function.
ENG-related disorder. Also called: ENG-related condition; ENG-related disorders.

Submissions (2):

Blueprint Genetics
Classification: Pathogenic for ENG-related disorders. Last evaluated: 2021-11-04. Review status: criteria provided, single submitter. Criteria: ACMG Guidelines, 2015. Collection method: clinical testing. Allele origin: germline. Affected: yes. Observed: 1 variant allele.

NIHR Bioresource Rare Diseases, University of Cambridge
Classification: Pathogenic for Telangiectasia, hereditary hemorrhagic, type 1. Last evaluated: 2018-01-01. Review status: criteria provided, single submitter. Criteria: ACMG Guidelines, 2015. Collection method: research. Allele origin: unknown. Affected: yes. Observed: 1 variant allele.
Comment: PVS1+PM2+PP4

Literature cited by the submitters: PubMed 32573726 (cited by NIHR Bioresource Rare Diseases, University of Cambridge).